The following is an entry in ClinVar:

ClinVar aggregate classification (germline): Pathogenic (1 of 4 stars; one submission).

Submission:

GeneDx
Classification: Pathogenic. Last evaluated: 2024-07-17. Review status: criteria provided, single submitter. Criteria: GeneDx Variant Classification Process June 2021. Collection method: clinical testing. Allele origin: germline. Affected: yes.
Comment: Frameshift variant predicted to result in protein truncation or nonsense mediated decay in a gene for which loss of function is a known mechanism of disease; Not observed at significant frequency in large population cohorts (gnomAD); This variant is associated with the following publications: (PMID: 31395954)

NM_080916.3(DGUOK):c.356dup (p.Lys120fs)

Gene: DGUOK (deoxyguanosine kinase; plus strand). Cytogenetic location: 2p13.1.
Variant type: Duplication.
Coding change: c.356dup on transcript NM_080916.3 (MANE Select); coding-DNA position 356, one base duplicated (T; older notation c.356dupT).
Protein change: p.Lys120fs; shifts the reading frame from lysine 120.
Molecular consequence: frameshift variant. On other transcripts: non-coding transcript variant (5).
Genome position (GRCh38, 1-based): chr2:73,946,819, T duplicated. VCF-style (leftmost placement, unchanged base first): chr2-73946818-C-CT. GRCh37 (hg19) VCF-style: chr2-74173945-C-CT.
Other names: c.356dup, p.Lys120fs (NM_001318859.2, NM_080918.3); c.65dup, p.Lys23fs (NM_001318860.2, NM_001318861.2, NM_001318862.2 and 1 more transcripts); c.356dupT (NM_080916.1); c.356dup (NM_080916.1); short protein forms K23fs, K120fs.
Identifiers: ClinVar variation 503980 (VCV000503980.3), dbSNP rs1553403687, ClinGen allele CA658795825.